The following is an entry in ClinVar:

NM_001267550.2(TTN):c.59602_59603del (p.Val19868fs)

Genes: TTN (titin; minus strand), TTN-AS1 (TTN antisense RNA 1; plus strand), LOC126806424 (CDK7 strongly-dependent group 2 enhancer GRCh37_chr2:179456337-179457536; plus strand). Cytogenetic location: 2q31.2.
Variant type: Deletion.
Coding change: c.59602_59603del on transcript NM_001267550.2 (MANE Select); coding-DNA positions 59602 to 59603, 2 bases deleted (GT; older notation c.59602_59603delGT).
Protein change: p.Val19868fs; shifts the reading frame from valine 19868.
Molecular consequence: frameshift variant.
Genome position (GRCh38, 1-based): chr2:178,592,402-178,592,403, AC deleted on the plus strand (GT on the coding strand, the reverse complement: TTN is on the minus strand); deleting any 2 consecutive bases within chr2:178,592,402-178,592,404 gives the same sequence; the c. name uses the placement nearest the transcript's 3' end. VCF-style (leftmost placement, unchanged base first): chr2-178592401-GAC-G. GRCh37 (hg19) VCF-style: chr2-179457128-GAC-G.
Other names: c.54679_54680del, p.Val18227fs (NM_001256850.1); c.32407_32408del, p.Val10803fs (NM_003319.4); c.51898_51899del, p.Val17300fs (NM_133378.4); c.32782_32783del, p.Val10928fs (NM_133432.3); c.32983_32984del, p.Val10995fs (NM_133437.4); c.32407_32408delGT (NM_003319.4); short protein forms V17300fs, V18227fs, V10928fs, V19868fs, V10803fs, V10995fs.
Identifiers: ClinVar variation 1729295 (VCV001729295.3), dbSNP rs2469530748, ClinGen allele CA2580064882.

ClinVar aggregate classification (germline): Likely pathogenic (1 of 4 stars; one submission).

Conditions:
Cardiovascular phenotype. Identifiers: MedGen CN230736.

Submission:

Ambry Genetics
Classification: Likely pathogenic for Cardiovascular phenotype. Last evaluated: 2025-02-27. Review status: criteria provided, single submitter. Criteria: Ambry Variant Classification Scheme 2023. Collection method: clinical testing. Allele origin: germline.
Comment: The c.32407_32408delGT variant, located in coding exon 128 of the TTN gene, results from a deletion of two nucleotides at nucleotide positions 32407 to 32408, causing a translational frameshift with a predicted alternate stop codon (p.V10803Lfs*9). This exon is located in the A-band region of the N2-B isoform of the titin protein and is constitutively expressed in TTN transcripts (percent spliced in or PSI 100%). In addition, this alteration is expected to result in loss of function by premature protein truncation or nonsense-mediated mRNA decay. While truncating variants in TTN are present in 1-3% of the general population, truncating variants in the A-band are the most common cause of dilated cardiomyopathy (DCM) (Herman DS et al. N. Engl. J. Med., 2012 Feb;366:619-28; Roberts AM et al. Sci Transl Med, 2015 Jan;7:270ra6). TTN truncating variants encoded in constitutive exons (PSI >90%) have been found to be significantly associated with DCM regardless of their position in titin (Schafer S et al. Nat. Genet., 2017 01;49:46-53). This variant is considered to be rare based on population cohorts in the Genome Aggregation Database (gnomAD). Based on the majority of available evidence to date, this variant is likely to be pathogenic.